The following is an entry in ClinVar:

NM_002693.3(POLG):c.2528A>G (p.Gln843Arg)

Gene: POLG (DNA polymerase gamma, catalytic subunit; minus strand). Cytogenetic location: 15q26.1.
Variant type: single nucleotide variant.
Coding change: c.2528A>G on transcript NM_002693.3 (MANE Select); coding-DNA position 2528, A replaced by G.
Protein change: p.Gln843Arg; replaces glutamine 843 with arginine.
Molecular consequence: missense variant.
Genome position (GRCh38, 1-based): chr15:89,321,806, T>C on the plus strand (A>G on the coding strand, the complement: POLG is on the minus strand). VCF-style: chr15-89321806-T-C. GRCh37 (hg19) VCF-style: chr15-89865037-T-C.
Other names: c.2528A>G, p.Gln843Arg (NM_001126131.2); short protein forms Q843R.
Identifiers: ClinVar variation 2733742 (VCV002733742.5), dbSNP rs747674539, ClinGen allele CA7724433.
Genomic context (GRCh38, chr15:89,321,806, plus strand): 5'-CTGGCGGTGAGCCATGTGGGCTCCACAGCCCGGCGAGTGATGGTGCCGGCAGTCACCACT[T>C]GGGGCAGGATGGCCCCATAGAGGCCTTCCTCATCATAGTCGGGGTGCCTGGTGGGGTGCA-3'
Protein context (NP_002684.1, residues 833-853): EEGLYGAILP[Gln843Arg]VVTAGTITRR

ClinVar aggregate classification (germline): Uncertain significance. Review status: criteria provided, multiple submitters, no conflicts (2 of 4 stars). 3 submissions from 3 submitters: Uncertain significance (3). Last evaluated 2026-04-03.

Conditions:
Progressive sclerosing poliodystrophy (MTDPS4A). Also called: ALPERS PROGRESSIVE INFANTILE POLIODYSTROPHY; NEURONAL DEGENERATION OF CHILDHOOD WITH LIVER DISEASE, PROGRESSIVE; Alpers Syndrome; ALPERS DIFFUSE DEGENERATION OF CEREBRAL GRAY MATTER WITH HEPATIC CIRRHOSIS; Alpers-Huttenlocher Syndrome; Mitochondrial DNA depletion syndrome 4A (Alpers type). Identifiers: Orphanet 726, MedGen C0205710, MONDO:0008758, OMIM 203700.

Allele frequency attached by ClinVar (database versions not stated): gnomAD 0.00001; TOPMed below 0.00001; ExAC 0.00001; gnomAD exomes 0.00002.
gnomAD v4.1: 31 of 1,614,026 alleles (0.0019%); highest among the groups gnomAD compares: Non-Finnish European, 0.0025%; no homozygotes.

Submissions (3):

GeneDx
Classification: Uncertain significance. Last evaluated: 2026-04-03. Review status: criteria provided, single submitter. Criteria: GeneDx Variant Classification Process June 2021. Collection method: clinical testing. Allele origin: germline.
Comment: Not observed at significant frequency in large population cohorts (gnomAD); In silico analysis suggests that this missense variant does not alter protein structure/function; This variant is associated with the following publications: (PMID: 36099812)

Labcorp Genetics (formerly Invitae), Labcorp
Classification: Uncertain significance for Progressive sclerosing poliodystrophy. Last evaluated: 2024-10-02. Review status: criteria provided, single submitter. Criteria: Invitae Variant Classification Sherloc (09022015). Collection method: clinical testing. Allele origin: germline.
Comment: This sequence change replaces glutamine, which is neutral and polar, with arginine, which is basic and polar, at codon 843 of the POLG protein (p.Gln843Arg). This variant is present in population databases (rs747674539, gnomAD 0.003%). This variant has not been reported in the literature in individuals affected with POLG-related conditions. Invitae Evidence Modeling of protein sequence and biophysical properties (such as structural, functional, and spatial information, amino acid conservation, physicochemical variation, residue mobility, and thermodynamic stability) has been performed for this missense variant. However, the output from this modeling did not meet the statistical confidence thresholds required to predict the impact of this variant on POLG protein function. In summary, the available evidence is currently insufficient to determine the role of this variant in disease. Therefore, it has been classified as a Variant of Uncertain Significance.

Blueprint Genetics
Classification: Uncertain significance. Last evaluated: 2023-06-12. Review status: criteria provided, single submitter. Criteria: ACMG Guidelines, 2015. Collection method: clinical testing. Allele origin: germline.